The following is an entry in ClinVar:

NM_147191.1(MMP21):c.1361C>T (p.Ala454Val)

Gene: MMP21 (matrix metallopeptidase 21; minus strand). Cytogenetic location: 10q26.2.
Variant type: single nucleotide variant.
Coding change: c.1361C>T on transcript NM_147191.1 (MANE Select); coding-DNA position 1361, C replaced by T.
Protein change: p.Ala454Val; replaces alanine 454 with valine.
Molecular consequence: missense variant.
Genome position (GRCh38, 1-based): chr10:125,767,581, G>A on the plus strand (C>T on the coding strand, the complement: MMP21 is on the minus strand). VCF-style: chr10-125767581-G-A. GRCh37 (hg19) VCF-style: chr10-127456150-G-A.
Other names: NC_000010.10:g.127456150G>A; short protein forms A454V.
Identifiers: ClinVar variation 707208 (VCV000707208.7), dbSNP rs28381319, ClinGen allele CA5737937.

ClinVar aggregate classification (germline): Benign. Review status: criteria provided, multiple submitters, no conflicts (2 of 4 stars). 3 submissions from 3 submitters: Benign (3). Last evaluated 2024-12-27.

Conditions:
MMP21-related disorder. Also called: MMP21-related condition.

Allele frequency attached by ClinVar (database versions not stated): gnomAD exomes 0.00261 and 0.00686; ExAC 0.00847; gnomAD 0.02500 and 0.02659; ESP Exome Variant Server 0.02876; TOPMed 0.02894; 1000 Genomes Project 0.03474; 1000 Genomes Project 30x 0.03795.
gnomAD v4.1: 7,849 of 1,614,104 alleles (0.49%); highest among the groups gnomAD compares: African/African-American, 8.8%; 322 homozygotes.

Submissions (8):

PreventionGenetics, part of Exact Sciences
Classification: Benign for MMP21-related condition. Last evaluated: 2024-12-27. Review status: criteria provided, single submitter. Criteria: ACMG Guidelines, 2015. Collection method: clinical testing. Allele origin: germline.
Comment: This variant is classified as benign based on ACMG/AMP sequence variant interpretation guidelines (Richards et al. 2015 PMID: 25741868, with internal and published modifications).

Labcorp Genetics (formerly Invitae), Labcorp
Classification: Benign. Last evaluated: 2019-12-31. Review status: criteria provided, single submitter. Criteria: Invitae Variant Classification Sherloc (09022015). Collection method: clinical testing. Allele origin: germline.

Breakthrough Genomics
Classification: Benign. Review status: criteria provided, single submitter. Criteria: ACMG Guidelines, 2015. Collection method: not provided. Allele origin: germline. Inheritance: Autosomal recessive inheritance. Affected: yes.

Dr. Peter K. Rogan Lab, Western University
No classification provided (evidence only). Condition: Uterine corpus endometrial carcinoma. Review status: no classification provided. Collection method: in vitro. Allele origin: not applicable. Functional consequence: retained intron. Not counted in ClinVar's aggregate classification.

Dr. Peter K. Rogan Lab, Western University
No classification provided (evidence only). Condition: Hepatocellular carcinoma. Review status: no classification provided. Collection method: in vitro. Allele origin: not applicable. Functional consequence: retained intron. Not counted in ClinVar's aggregate classification.

Dr. Peter K. Rogan Lab, Western University
No classification provided (evidence only). Condition: Thymoma. Review status: no classification provided. Collection method: in vitro. Allele origin: not applicable. Functional consequence: retained intron. Not counted in ClinVar's aggregate classification.

Dr. Peter K. Rogan Lab, Western University
No classification provided (evidence only). Condition: Ovarian serous cystadenocarcinoma. Review status: no classification provided. Collection method: in vitro. Allele origin: not applicable. Functional consequence: retained intron. Not counted in ClinVar's aggregate classification.

Dr. Peter K. Rogan Lab, Western University
No classification provided (evidence only). Condition: Ovarian serous cystadenocarcinoma. Review status: no classification provided. Collection method: in vitro. Allele origin: not applicable. Functional consequence: retained intron. Not counted in ClinVar's aggregate classification.